The following is an entry in ClinVar:

ClinVar aggregate classification (germline): Uncertain significance (1 of 4 stars; one submission).

Conditions:
Progressive myoclonic epilepsy. Also called: Myoclonus epilepsy; Progressive myoclonus epilepsy; Familial progressive myoclonic epilepsy; Myoclonic Epilepsies, Progressive. Identifiers: Orphanet 308, Orphanet 98261, MedGen C0751778, MONDO:0020074.

gnomAD v4.1: 9 of 1,614,052 alleles (0.00056%); highest among the groups gnomAD compares: Non-Finnish European, 0.00076%; no homozygotes.

Submission:

Labcorp Genetics (formerly Invitae), Labcorp
Classification: Uncertain significance for Progressive myoclonic epilepsy. Last evaluated: 2021-11-12. Review status: criteria provided, single submitter. Criteria: Invitae Variant Classification Sherloc (09022015). Collection method: clinical testing. Allele origin: germline.
Comment: This sequence change replaces alanine, which is neutral and non-polar, with glutamic acid, which is acidic and polar, at codon 49 of the CSTB protein (p.Ala49Glu). This variant is not present in population databases (gnomAD no frequency). This variant has not been reported in the literature in individuals affected with CSTB-related conditions. Algorithms developed to predict the effect of missense changes on protein structure and function are either unavailable or do not agree on the potential impact of this missense change (SIFT: "Deleterious"; PolyPhen-2: "Probably Damaging"; Align-GVGD: "Class C0"). In summary, the available evidence is currently insufficient to determine the role of this variant in disease. Therefore, it has been classified as a Variant of Uncertain Significance.

NM_000100.4(CSTB):c.146C>A (p.Ala49Glu)

Gene: CSTB (cystatin B; minus strand). Cytogenetic location: 21q22.3.
Variant type: single nucleotide variant.
Coding change: c.146C>A on transcript NM_000100.4 (MANE Select); coding-DNA position 146, C replaced by A.
Protein change: p.Ala49Glu; replaces alanine 49 with glutamic acid.
Molecular consequence: missense variant.
Genome position (GRCh38, 1-based): chr21:43,774,680, G>T on the plus strand (C>A on the coding strand, the complement: CSTB is on the minus strand). VCF-style: chr21-43774680-G-T. GRCh37 (hg19) VCF-style: chr21-45194561-G-T.
Other names: short protein forms A49E.
Identifiers: ClinVar variation 1486165 (VCV001486165.6), dbSNP rs754421704, ClinGen allele CA410408214.